The following is an entry in ClinVar:

ClinVar aggregate classification (germline): Uncertain significance. Review status: criteria provided, multiple submitters, no conflicts (2 of 4 stars). 3 submissions from 3 submitters: Uncertain significance (2). 1 of the submissions does not count toward it. Last evaluated 2022-11-14.

Conditions:
Macrothrombocytopenia, isolated, 1, autosomal dominant (MACTHC1). Also called: Autosomal dominant macrothrombocytopenia TUBB1-related. Identifiers: Orphanet 140957, MedGen C5676892, MONDO:0800047, OMIM 613112.

Allele frequency attached by ClinVar (database versions not stated): TOPMed below 0.00001; ExAC 0.00002; gnomAD exomes 0.00002.

Submissions (3):

Labcorp Genetics (formerly Invitae), Labcorp
Classification: Uncertain significance. Last evaluated: 2022-11-14. Review status: criteria provided, single submitter. Criteria: Invitae Variant Classification Sherloc (09022015). Collection method: clinical testing. Allele origin: germline.
Comment: In summary, the available evidence is currently insufficient to determine the role of this variant in disease. Therefore, it has been classified as a Variant of Uncertain Significance. Advanced modeling of protein sequence and biophysical properties (such as structural, functional, and spatial information, amino acid conservation, physicochemical variation, residue mobility, and thermodynamic stability) has been performed at Invitae for this missense variant, however the output from this modeling did not meet the statistical confidence thresholds required to predict the impact of this variant on TUBB1 protein function. This sequence change replaces arginine, which is basic and polar, with cysteine, which is neutral and slightly polar, at codon 213 of the TUBB1 protein (p.Arg213Cys). This variant is present in population databases (rs777100651, gnomAD 0.006%). This variant has not been reported in the literature in individuals affected with TUBB1-related conditions. ClinVar contains an entry for this variant (Variation ID: 1684425).

Blueprint Genetics
Classification: Uncertain significance. Last evaluated: 2022-06-02. Review status: criteria provided, single submitter. Criteria: ACMG Guidelines, 2015. Collection method: clinical testing. Allele origin: germline.

ISTH-SSC Genomics in Thrombosis and Hemostasis, KU Leuven, Center for Molecular and Vascular Biology
Classification: Uncertain significance for Macrothrombocytopenia, isolated, 1, autosomal dominant. Review status: no assertion criteria provided. Collection method: research. Allele origin: unknown. Affected: yes. Not counted in ClinVar's aggregate classification.
Comment: Submitted to GoldVariant by Dr Marie-Christine Morel-Kopp from Northern Blood Research Centre, Sydney, Australia

NM_030773.4(TUBB1):c.637C>T (p.Arg213Cys)

Gene: TUBB1 (tubulin beta 1 class VI; plus strand). Cytogenetic location: 20q13.32.
Variant type: single nucleotide variant.
Coding change: c.637C>T on transcript NM_030773.4 (MANE Select); coding-DNA position 637, C replaced by T.
Protein change: p.Arg213Cys; replaces arginine 213 with cysteine.
Molecular consequence: missense variant.
Genome position (GRCh38, 1-based): chr20:59,024,064, C>T. VCF-style: chr20-59024064-C-T. GRCh37 (hg19) VCF-style: chr20-57599119-C-T.
Other names: short protein forms R213C.
Identifiers: ClinVar variation 1684425 (VCV001684425.7), dbSNP rs777100651, ClinGen allele CA9928553.
Genomic context (GRCh38, chr20:59,024,064, plus strand): 5'-ATTGAGAATGCAGATGCCTGTTTCTGCATTGACAATGAGGCCCTCTATGACATCTGCTTC[C>T]GTACCCTGAAGCTGACGACACCCACCTATGGGGATCTCAACCACCTAGTGTCCTTGACCA-3'
Protein context (NP_110400.1, residues 203-223): DNEALYDICF[Arg213Cys]TLKLTTPTYG